The following is an entry in ClinVar:

NM_015488.5(PNKD):c.524+13C>T

Genes: CATIP-AS2 (CATIP antisense RNA 2; minus strand), PNKD (PNKD metallo-beta-lactamase domain containing; plus strand). Cytogenetic location: 2q35.
Variant type: single nucleotide variant.
Coding change: c.524+13C>T on transcript NM_015488.5 (MANE Select); 13 bases into the intron after coding-DNA position 524, C replaced by T.
Molecular consequence: intron variant.
Genome position (GRCh38, 1-based): chr2:218,340,799, C>T. VCF-style: chr2-218340799-C-T. GRCh37 (hg19) VCF-style: chr2-219205522-C-T.
Other names: c.452+13C>T (NM_022572.4).
Identifiers: ClinVar variation 334319 (VCV000334319.12), dbSNP rs150529046, ClinGen allele CA2103988.
Genomic context (GRCh38, chr2:218,340,799, plus strand): 5'-AAAGGAAGGGGTCACCTTGGTCGCCATTCTGTGTACTCACAAGCACTGGTAAGGGGCTCC[C>T]GTCTTCCCTGGCCCACCCTTGTCCCAGCTGGGCTTGCCAGGACTGGGCCCATTGAGGACG-3'

ClinVar aggregate classification (germline): Benign. Review status: criteria provided, multiple submitters, no conflicts (2 of 4 stars). 2 submissions from 2 submitters: Benign (2). Last evaluated 2026-01-28.

Conditions:
Paroxysmal nonkinesigenic dyskinesia. Also called: Paroxysmal non-kinesigenic dyskinesia. Identifiers: Orphanet 98810, MedGen C1869117, MONDO:0700088.
Paroxysmal nonkinesigenic dyskinesia 1 (PNKD1). Also called: Familial Paroxysmal Nonkinesigenic Dyskinesia; Nonkinesigenic choreoathetosis; Familial paroxysmal choreoathetosis; MOUNT-REBACK SYNDROME; PAROXYSMAL DYSTONIC CHOREOATHETOSIS; PxMD-PNKD. Identifiers: Orphanet 98810, MedGen C4551506, MONDO:0700089, OMIM 118800, MONDO:0007326.

Allele frequency attached by ClinVar (database versions not stated): 1000 Genomes Project 30x 0.00062; ESP Exome Variant Server 0.00069; gnomAD 0.00074 and 0.00078; TOPMed 0.00076; 1000 Genomes Project 0.00080; gnomAD exomes 0.00005 and 0.00019; ExAC 0.00024.
gnomAD v4.1: 180 of 1,611,182 alleles (0.011%); highest among the groups gnomAD compares: African/African-American, 0.2%; 1 homozygote.

Submissions (2):

Labcorp Genetics (formerly Invitae), Labcorp
Classification: Benign for Paroxysmal nonkinesigenic dyskinesia. Last evaluated: 2026-01-28. Review status: criteria provided, single submitter. Criteria: Invitae Variant Classification Sherloc (09022015). Collection method: clinical testing. Allele origin: germline.

Illumina Laboratory Services, Illumina
Classification: Benign for Paroxysmal nonkinesigenic dyskinesia 1. Last evaluated: 2018-01-13. Review status: criteria provided, single submitter. Criteria: ICSL Variant Classification Criteria 13 December 2019. Collection method: clinical testing. Allele origin: germline.
Comment: This variant was observed in the ICSL laboratory as part of a predisposition screen in an ostensibly healthy population. It had not been previously curated by ICSL or reported in the Human Gene Mutation Database (HGMD: prior to June 1st, 2018), and was therefore a candidate for classification through an automated scoring system. Utilizing variant allele frequency, disease prevalence and penetrance estimates, and inheritance mode, an automated score was calculated to assess if this variant is too frequent to cause the disease. Based on the score and internal cut-off values, a variant classified as benign is not then subjected to further curation. The score for this variant resulted in a classification of benign for this disease.